The following is an entry in ClinVar:

NM_058195.4(CDKN2A):c.-42G>C

Gene: CDKN2A (cyclin dependent kinase inhibitor 2A; minus strand). Cytogenetic location: 9p21.3.
Variant type: single nucleotide variant.
Coding change: c.-42G>C on transcript NM_058195.4 (MANE Plus Clinical); 42 bases upstream of the start codon, G replaced by C.
Molecular consequence: 5 prime UTR variant. On other transcripts: intron variant (1).
Genome position (GRCh38, 1-based): chr9:21,994,373, C>G on the plus strand (G>C on the coding strand, the complement: CDKN2A is on the minus strand). VCF-style: chr9-21994373-C-G. GRCh37 (hg19) VCF-style: chr9-21994372-C-G.
Other names: c.-4+448G>C (NM_001363763.2).
Identifiers: ClinVar variation 381328 (VCV000381328.3), dbSNP rs755734889, ClinGen allele CA5012411.
Genomic context (GRCh38, chr9:21,994,373, plus strand): 5'-CCAAGAACCTGCGCACCATGTTCTCGCCGCCTCCAGGGCCGAGCTCGGCAGCCGCTGCGC[C>G]GCCCTTTGGCACCAGAGGTGAGCAGCGCCACTCCTGCCCCCTTAACTGCAGACTGGGACC-3'

ClinVar aggregate classification (germline): Likely benign (1 of 4 stars; one submission).

Allele frequency attached by ClinVar (database versions not stated): TOPMed below 0.00001; ExAC 0.00001; gnomAD exomes 0.00001; gnomAD 0.00001.
gnomAD v4.1: 6 of 1,607,716 alleles (0.00037%); highest among the groups gnomAD compares: Non-Finnish European, 0.00042%; no homozygotes.

Submission:

GeneDx
Classification: Likely benign. Last evaluated: 2015-10-29. Review status: criteria provided, single submitter. Criteria: GeneDx Variant Classification (06012015). Collection method: clinical testing. Allele origin: germline. Affected: yes.
Comment: This variant is considered likely benign or benign based on one or more of the following criteria: it is a conservative change, it occurs at a poorly conserved position in the protein, it is predicted to be benign by multiple in silico algorithms, and/or has population frequency not consistent with disease.